The following is an entry in ClinVar:

ClinVar aggregate classification (germline): Likely benign (0 of 4 stars; one submission).

Conditions:
PLEKHG5-related disorder. Also called: PLEKHG5-related condition.

Allele frequency attached by ClinVar (database versions not stated): gnomAD exomes 0.00006; 1000 Genomes Project 0.00040; gnomAD 0.00047; TOPMed 0.00050; 1000 Genomes Project 30x 0.00078.
gnomAD v4.1: 151 of 1,278,054 alleles (0.012%); highest among the groups gnomAD compares: Middle Eastern, 0.18%; no homozygotes.

Submission:

PreventionGenetics, part of Exact Sciences
Classification: Likely benign for PLEKHG5-related condition. Last evaluated: 2020-09-15. Review status: no assertion criteria provided. Collection method: clinical testing. Allele origin: germline.
Comment: This variant is classified as likely benign based on ACMG/AMP sequence variant interpretation guidelines (Richards et al. 2015 PMID: 25741868, with internal and published modifications).

NM_020631.6(PLEKHG5):c.-88+6199G>T

Gene: PLEKHG5 (pleckstrin homology and RhoGEF domain containing G5; minus strand). Cytogenetic location: 1p36.31.
Variant type: single nucleotide variant.
Coding change: c.-88+6199G>T on transcript NM_020631.6 (MANE Select); 6199 bases into the intron after 88 bases upstream of the start codon, G replaced by T.
Molecular consequence: intron variant. On other transcripts: synonymous variant (1).
Genome position (GRCh38, 1-based): chr1:6,485,438, C>A on the plus strand (G>T on the coding strand, the complement: PLEKHG5 is on the minus strand). VCF-style: chr1-6485438-C-A. GRCh37 (hg19) VCF-style: chr1-6545498-C-A.
Other names: c.6G>T, p.Gly2= (NM_001265593.2); c.-87-7780G>T (NM_198681.4); c.25-7780G>T (NM_001042663.3, NM_001265592.2); c.-88+5007G>T (NM_001265594.3, NM_001042664.2); c.-88+398G>T (NM_001042665.2).
Identifiers: ClinVar variation 3058703 (VCV003058703.2), dbSNP rs543471473, ClinGen allele CA17252044.